The following is an entry in ClinVar:

NM_000551.4(VHL):c.235C>A (p.Arg79Ser)

Gene: VHL (von Hippel-Lindau tumor suppressor; plus strand). Cytogenetic location: 3p25.3.
Variant type: single nucleotide variant.
Coding change: c.235C>A on transcript NM_000551.4 (MANE Select); coding-DNA position 235, C replaced by A.
Protein change: p.Arg79Ser; replaces arginine 79 with serine.
Molecular consequence: missense variant.
Genome position (GRCh38, 1-based): chr3:10,142,082, C>A. VCF-style: chr3-10142082-C-A. GRCh37 (hg19) VCF-style: chr3-10183766-C-A.
Other names: c.235C>A, p.Arg79Ser (NM_001354723.2, NM_198156.3); short protein forms R79S.
Identifiers: ClinVar variation 2014245 (VCV002014245.4), dbSNP rs200885420, ClinGen allele CA351749302.

ClinVar aggregate classification (germline): Uncertain significance (1 of 4 stars; one submission).

Conditions:
Chuvash polycythemia. Also called: POLYCYTHEMIA, VHL-DEPENDENT. Identifiers: Orphanet 238557, MedGen C1837915, MONDO:0009892, OMIM 263400.
Von Hippel-Lindau syndrome (VHLS). Also called: von Hippel–Lindau syndrome; VHL syndrome; Von Hippel-Lindau. Identifiers: Orphanet 892, MedGen C0019562, MONDO:0008667, OMIM 193300. Disease mechanism: loss of function.

Submission:

Labcorp Genetics (formerly Invitae), Labcorp
Classification: Uncertain significance for Von Hippel-Lindau syndrome; Chuvash polycythemia. Last evaluated: 2024-01-18. Review status: criteria provided, single submitter. Criteria: Invitae Variant Classification Sherloc (09022015). Collection method: clinical testing. Allele origin: germline.
Comment: This sequence change replaces arginine, which is basic and polar, with serine, which is neutral and polar, at codon 79 of the VHL protein (p.Arg79Ser). This variant is not present in population databases (gnomAD no frequency). This variant has not been reported in the literature in individuals affected with VHL-related conditions. ClinVar contains an entry for this variant (Variation ID: 2014245). Advanced modeling of protein sequence and biophysical properties (such as structural, functional, and spatial information, amino acid conservation, physicochemical variation, residue mobility, and thermodynamic stability) performed at Invitae indicates that this missense variant is expected to disrupt VHL protein function with a positive predictive value of 95%. This variant disrupts the p.Arg79 amino acid residue in VHL. Other variant(s) that disrupt this residue have been observed in individuals with VHL-related conditions (PMID: 15642680, 24555745), which suggests that this may be a clinically significant amino acid residue. In summary, the available evidence is currently insufficient to determine the role of this variant in disease. Therefore, it has been classified as a Variant of Uncertain Significance.

Literature cited by the submitters: PubMed 15642680; PubMed 24555745.